The following is an entry in ClinVar:

NM_133497.4(KCNV2):c.410G>A (p.Ser137Asn)

Gene: KCNV2 (potassium voltage-gated channel modifier subfamily V member 2; plus strand). Cytogenetic location: 9p24.2.
Variant type: single nucleotide variant.
Coding change: c.410G>A on transcript NM_133497.4 (MANE Select); coding-DNA position 410, G replaced by A.
Protein change: p.Ser137Asn; replaces serine 137 with asparagine.
Molecular consequence: missense variant.
Genome position (GRCh38, 1-based): chr9:2,718,149, G>A. VCF-style: chr9-2718149-G-A. GRCh37 (hg19) VCF-style: chr9-2718149-G-A.
Other names: c.410G>A (NM_133497.3); short protein forms S137N.
Identifiers: ClinVar variation 1011623 (VCV001011623.7), dbSNP rs953979254, ClinGen allele CA187971313.

ClinVar aggregate classification (germline): Uncertain significance. Review status: criteria provided, multiple submitters, no conflicts (2 of 4 stars). 2 submissions from 2 submitters: Uncertain significance (2). Last evaluated 2026-06-20.

Conditions:
KCNV2-related disorder. Also called: KCNV2-related condition.

Allele frequency attached by ClinVar (database versions not stated): gnomAD exomes 0.00002 and 0.00006; gnomAD 0.00003 and 0.00004; TOPMed 0.00005.
gnomAD v4.1: 94 of 1,611,422 alleles (0.0058%); highest among the groups gnomAD compares: Non-Finnish European, 0.0078%; no homozygotes.

Submissions (2):

PreventionGenetics, part of Exact Sciences
Classification: Uncertain significance for KCNV2-related condition. Last evaluated: 2026-06-20. Review status: criteria provided, single submitter. Criteria: ACMG Guidelines, 2015. Collection method: clinical testing. Allele origin: germline.
Comment: The KCNV2 c.410G>A variant is predicted to result in the amino acid substitution p.Ser137Asn. To our knowledge, this variant has not been reported in the literature. This variant is reported in 0.0055% of alleles in individuals of European (Non-Finnish) descent in gnomAD. At this time, the clinical significance of this variant is uncertain due to the absence of conclusive functional and genetic evidence.

Labcorp Genetics (formerly Invitae), Labcorp
Classification: Uncertain significance. Last evaluated: 2022-07-19. Review status: criteria provided, single submitter. Criteria: Invitae Variant Classification Sherloc (09022015). Collection method: clinical testing. Allele origin: germline.
Comment: This sequence change replaces serine, which is neutral and polar, with asparagine, which is neutral and polar, at codon 137 of the KCNV2 protein (p.Ser137Asn). This variant is present in population databases (no rsID available, gnomAD 0.006%). This variant has not been reported in the literature in individuals affected with KCNV2-related conditions. ClinVar contains an entry for this variant (Variation ID: 1011623). Advanced modeling of protein sequence and biophysical properties (such as structural, functional, and spatial information, amino acid conservation, physicochemical variation, residue mobility, and thermodynamic stability) performed at Invitae indicates that this missense variant is not expected to disrupt KCNV2 protein function. In summary, the available evidence is currently insufficient to determine the role of this variant in disease. Therefore, it has been classified as a Variant of Uncertain Significance.